The following is an entry in ClinVar:

ClinVar aggregate classification (germline): Likely benign (1 of 4 stars; one submission).

Conditions:
Qualitative or quantitative defects of delta-sarcoglycan. Identifiers: Orphanet 207070, MedGen C5680806, MONDO:0016144.

Allele frequency attached by ClinVar (database versions not stated): gnomAD 0.00171 and 0.00180; TOPMed 0.00181; 1000 Genomes Project 30x 0.00219; 1000 Genomes Project 0.00240.

Submission:

Illumina Laboratory Services, Illumina
Classification: Likely benign for Qualitative or quantitative defects of delta-sarcoglycan. Last evaluated: 2018-01-13. Review status: criteria provided, single submitter. Criteria: ICSL Variant Classification Criteria 13 December 2019. Collection method: clinical testing. Allele origin: germline.
Comment: This variant was observed in the ICSL laboratory as part of a predisposition screen in an ostensibly healthy population. It had not been previously curated by ICSL or reported in the Human Gene Mutation Database (HGMD: prior to June 1st, 2018), and was therefore a candidate for classification through an automated scoring system. Utilizing variant allele frequency, disease prevalence and penetrance estimates, and inheritance mode, an automated score was calculated to assess if this variant is too frequent to cause the disease. Based on the score and internal cut-off values, a variant classified as likely benign is not then subjected to further curation. The score for this variant resulted in a classification of likely benign for this disease.

NM_000337.6(SGCD):c.*1578T>C

Gene: SGCD (sarcoglycan delta; plus strand). Cytogenetic location: 5q33.3.
Variant type: single nucleotide variant.
Coding change: c.*1578T>C on transcript NM_000337.6 (MANE Select); 1578 bases downstream of the stop codon, T replaced by C.
Molecular consequence: 3 prime UTR variant.
Genome position (GRCh38, 1-based): chr5:156,760,968, T>C. VCF-style: chr5-156760968-T-C. GRCh37 (hg19) VCF-style: chr5-156187979-T-C.
Other names: c.*1578T>C (NM_001128209.2).
Identifiers: ClinVar variation 904544 (VCV000904544.4), dbSNP rs572265056, ClinGen allele CA130642423.